The following is an entry in ClinVar:

NM_001017980.4(VMA21):c.245T>G (p.Leu82Arg)

Gene: VMA21 (vacuolar ATPase assembly factor VMA21; plus strand). Cytogenetic location: Xq28.
Variant type: single nucleotide variant.
Coding change: c.245T>G on transcript NM_001017980.4 (MANE Select); coding-DNA position 245, T replaced by G.
Protein change: p.Leu82Arg; replaces leucine 82 with arginine.
Molecular consequence: missense variant.
Genome position (GRCh38, 1-based): chrX:151,404,997, T>G. VCF-style: chrX-151404997-T-G. GRCh37 (hg19) VCF-style: chrX-150573469-T-G.
Other names: c.410T>G, p.Leu137Arg (NM_001363810.1); short protein forms L137R, L82R.
Identifiers: ClinVar variation 1003479 (VCV001003479.8), dbSNP rs2011274822, ClinGen allele CA415271300.

ClinVar aggregate classification (germline): Uncertain significance (1 of 4 stars; one submission).

Conditions:
X-linked myopathy with excessive autophagy (AVM). Also called: Vacuolar myopathy; Autophagic vacuolar myopathy. Identifiers: Orphanet 25980, MedGen C1839615, MONDO:0010684, OMIM 310440.

Submission:

Labcorp Genetics (formerly Invitae), Labcorp
Classification: Uncertain significance for X-linked myopathy with excessive autophagy. Last evaluated: 2020-03-07. Review status: criteria provided, single submitter. Criteria: Invitae Variant Classification Sherloc (09022015). Collection method: clinical testing. Allele origin: germline.
Comment: In summary, the available evidence is currently insufficient to determine the role of this variant in disease. Therefore, it has been classified as a Variant of Uncertain Significance. Algorithms developed to predict the effect of missense changes on protein structure and function are either unavailable or do not agree on the potential impact of this missense change (SIFT: "Not Available"; PolyPhen-2: "Possibly Damaging"; Align-GVGD: "Not Available"). This variant has not been reported in the literature in individuals with VMA21-related conditions. This variant is not present in population databases (ExAC no frequency). This sequence change replaces leucine with arginine at codon 82 of the VMA21 protein (p.Leu82Arg). The leucine residue is highly conserved and there is a moderate physicochemical difference between leucine and arginine.